The following is an entry in ClinVar:

NM_000051.4(ATM):c.5175T>C (p.Asp1725=)

Gene: ATM (ATM serine/threonine kinase; plus strand). Cytogenetic location: 11q22.3.
Variant type: single nucleotide variant.
Coding change: c.5175T>C on transcript NM_000051.4 (MANE Select); coding-DNA position 5175, T replaced by C.
Protein change: p.Asp1725=; no amino-acid change (aspartic acid 1725 retained).
Molecular consequence: synonymous variant.
Genome position (GRCh38, 1-based): chr11:108,299,883, T>C. VCF-style: chr11-108299883-T-C. GRCh37 (hg19) VCF-style: chr11-108170610-T-C.
Other names: c.5175T>C, p.Asp1725= (NM_001351834.2).
Identifiers: ClinVar variation 453563 (VCV000453563.18), dbSNP rs1555104803, ClinGen allele CA476674744.

ClinVar aggregate classification (germline): Benign/Likely benign. Review status: criteria provided, multiple submitters, no conflicts (2 of 4 stars). 4 submissions from 4 submitters: Benign (1); Likely benign (3). Last evaluated 2024-11-04.

Conditions:
Hereditary cancer-predisposing syndrome. Also called: Tumor predisposition; Hereditary Cancer Syndrome; Neoplastic Syndromes, Hereditary; Hereditary neoplastic syndrome. Identifiers: Orphanet 140162, MedGen C0027672, MeSH D009386, MONDO:0015356.
Familial cancer of breast. Also called: Hereditary breast cancer; hereditary breast carcinoma; BREAST CANCER, FAMILIAL. Identifiers: Orphanet 227535, MedGen C0346153, MONDO:0016419, OMIM 114480. Disease mechanism: loss of function.
Ataxia-telangiectasia syndrome (AT). Also called: Cerebello-oculocutaneous telangiectasia; Immunodeficiency with ataxia telangiectasia; Ataxia-telangiectasia, complementation group D; AT, COMPLEMENTATION GROUP C; Ataxia-telangiectasia, complementation group E; LOUIS-BAR SYNDROME. Identifiers: Orphanet 100, MedGen C0004135, MONDO:0008840, OMIM 208900.

Allele frequency attached by ClinVar (database versions not stated): gnomAD exomes below 0.00001.
gnomAD v4.1: 3 of 1,612,994 alleles (0.00019%); highest among the groups gnomAD compares: African/African-American, 0.0013%; no homozygotes.

Submissions (4):

Color Diagnostics, LLC DBA Color Health
Classification: Likely benign for Hereditary cancer-predisposing syndrome. Last evaluated: 2024-11-04. Review status: criteria provided, single submitter. Criteria: ACMG Guidelines, 2015. Collection method: clinical testing. Allele origin: germline.

Labcorp Genetics (formerly Invitae), Labcorp
Classification: Likely benign for Ataxia-telangiectasia syndrome. Last evaluated: 2024-07-11. Review status: criteria provided, single submitter. Criteria: Invitae Variant Classification Sherloc (09022015). Collection method: clinical testing. Allele origin: germline.

Myriad Genetics, Inc.
Classification: Benign for Familial cancer of breast. Last evaluated: 2024-05-22. Review status: criteria provided, single submitter. Criteria: Myriad Autosomal Dominant, Autosomal Recessive and X-Linked Classification Criteria (2023). Collection method: clinical testing. Allele origin: unknown.
Comment: This variant is considered benign. This variant is a silent/synonymous amino acid change and it is not expected to impact splicing.

Ambry Genetics
Classification: Likely benign for Hereditary cancer-predisposing syndrome. Last evaluated: 2018-09-04. Review status: criteria provided, single submitter. Criteria: Ambry Variant Classification Scheme 2023. Collection method: clinical testing. Allele origin: germline.